The following is an entry in ClinVar:

NM_003873.7(NRP1):c.1791G>A (p.Gly597=)

Gene: NRP1 (neuropilin 1; minus strand). Cytogenetic location: 10p11.22.
Variant type: single nucleotide variant.
Coding change: c.1791G>A on transcript NM_003873.7 (MANE Select); coding-DNA position 1791, G replaced by A.
Protein change: p.Gly597=; no amino-acid change (glycine 597 retained).
Molecular consequence: synonymous variant. On other transcripts: non-coding transcript variant (1), intron variant (1).
Genome position (GRCh38, 1-based): chr10:33,202,964, C>T on the plus strand (G>A on the coding strand, the complement: NRP1 is on the minus strand). VCF-style: chr10-33202964-C-T. GRCh37 (hg19) VCF-style: chr10-33491892-C-T.
Other names: c.1791G>A, p.Gly597= (NM_001024628.3, NM_001244972.2, NM_001244973.2 and 1 more transcripts); c.1759+4608G>A (NM_001024629.3).
Identifiers: ClinVar variation 3353781 (VCV003353781.1).

ClinVar aggregate classification (germline): Likely benign (0 of 4 stars; one submission).

Conditions:
NRP1-related disorder. Also called: NRP1-related condition.

gnomAD v4.1: 5 of 1,614,100 alleles (0.00031%); highest among the groups gnomAD compares: Non-Finnish European, 0.00042%; no homozygotes.

Submission:

PreventionGenetics, part of Exact Sciences
Classification: Likely benign for NRP1-related condition. Last evaluated: 2022-12-15. Review status: no assertion criteria provided. Collection method: clinical testing. Allele origin: germline.
Comment: This variant is classified as likely benign based on ACMG/AMP sequence variant interpretation guidelines (Richards et al. 2015 PMID: 25741868, with internal and published modifications).